The following is an entry in ClinVar:

ClinVar aggregate classification (germline): Benign. Review status: criteria provided, multiple submitters, no conflicts (2 of 4 stars). 2 submissions from 2 submitters: Benign (2). Last evaluated 2018-06-19.

Allele frequency attached by ClinVar (database versions not stated): 1000 Genomes Project 30x 0.08588; 1000 Genomes Project 0.08606; TOPMed 0.11830; gnomAD exomes 0.12194 and 0.14695; ExAC 0.12239; gnomAD 0.12247 and 0.12377; ESP Exome Variant Server 0.12932.
gnomAD v4.1: 231,010 of 1,601,906 alleles (14%); highest among the groups gnomAD compares: Middle Eastern, 18%; 17,830 homozygotes.

Submissions (2):

GeneDx
Classification: Benign. Last evaluated: 2018-06-19. Review status: criteria provided, single submitter. Criteria: GeneDx Variant Classification (06012015). Collection method: clinical testing. Allele origin: germline. Affected: yes.
Comment: This variant is considered likely benign or benign based on one or more of the following criteria: it is a conservative change, it occurs at a poorly conserved position in the protein, it is predicted to be benign by multiple in silico algorithms, and/or has population frequency not consistent with disease.

Breakthrough Genomics
Classification: Benign. Review status: criteria provided, single submitter. Criteria: ACMG Guidelines, 2015. Collection method: not provided. Allele origin: germline. Inheritance: Autosomal dominant inheritance. Affected: yes.

NM_012470.4(TNPO3):c.1498+22T>C

Gene: TNPO3 (transportin 3; minus strand). Cytogenetic location: 7q32.1.
Variant type: single nucleotide variant.
Coding change: c.1498+22T>C on transcript NM_012470.4 (MANE Select); 22 bases into the intron after coding-DNA position 1498, T replaced by C.
Molecular consequence: intron variant.
Genome position (GRCh38, 1-based): chr7:128,989,939, A>G on the plus strand (T>C on the coding strand, the complement: TNPO3 is on the minus strand). VCF-style: chr7-128989939-A-G. GRCh37 (hg19) VCF-style: chr7-128629993-A-G.
Other names: c.1354+22T>C (NM_001382221.1); c.1351+22T>C (NM_001382222.1); c.1390+22T>C (NM_001382219.1); c.1498+22T>C (NM_001382223.1, NM_001191028.3, NM_001382220.1 and 1 more transcripts); c.1600+22T>C (NM_001382216.1); c.1579+22T>C (NM_001382217.1).
Identifiers: ClinVar variation 672849 (VCV000672849.2), dbSNP rs41274158, ClinGen allele CA4478118.